The following is an entry in ClinVar:

ClinVar aggregate classification (germline): Conflicting classifications of pathogenicity. Review status: criteria provided, conflicting classifications (1 of 4 stars). 6 submissions from 6 submitters: Likely pathogenic (1); Uncertain significance (5). Last evaluated 2025-05-29.

Conditions:
Nephronophthisis. Also called: Juvenile Nephronophthisis. Identifiers: Orphanet 655, MedGen C0687120, MONDO:0019005, HP:0000090.
NPHP3-related Meckel-like syndrome. Also called: Meckel syndrome type 7; GOLDSTON SYNDROME. Identifiers: Orphanet 3032, MedGen C2673885, MONDO:0009966, OMIM 267010.
Renal-hepatic-pancreatic dysplasia 1 (RHPD1). Identifiers: MedGen C3715199, MONDO:0008833, OMIM 208540.
Nephronophthisis 3 (NPHP3). Also called: Adolescent nephronophthisis. Identifiers: Orphanet 655, MedGen C1858392, MONDO:0011456, OMIM 604387.

Allele frequency attached by ClinVar (database versions not stated): TOPMed below 0.00001; gnomAD 0.00001; gnomAD exomes 0.00002 and 0.00004; ExAC 0.00004; ESP Exome Variant Server 0.00008.
gnomAD v4.1: 32 of 1,613,888 alleles (0.002%); highest among the groups gnomAD compares: Non-Finnish European, 0.0025%; no homozygotes.

Submissions (6):

Labcorp Genetics (formerly Invitae), Labcorp
Classification: Uncertain significance for Nephronophthisis. Last evaluated: 2025-05-29. Review status: criteria provided, single submitter. Criteria: Invitae Variant Classification Sherloc (09022015). Collection method: clinical testing. Allele origin: germline.
Comment: This sequence change replaces arginine, which is basic and polar, with glutamine, which is neutral and polar, at codon 1165 of the NPHP3 protein (p.Arg1165Gln). This variant is present in population databases (rs138630766, gnomAD 0.006%). This missense change has been observed in individual(s) with clinical features of nephronophthisis (PMID: 19177160). ClinVar contains an entry for this variant (Variation ID: 281413). Invitae Evidence Modeling of protein sequence and biophysical properties (such as structural, functional, and spatial information, amino acid conservation, physicochemical variation, residue mobility, and thermodynamic stability) indicates that this missense variant is not expected to disrupt NPHP3 protein function with a negative predictive value of 80%. In summary, the available evidence is currently insufficient to determine the role of this variant in disease. Therefore, it has been classified as a Variant of Uncertain Significance.

Fulgent Genetics
Classification: Uncertain significance for Renal-hepatic-pancreatic dysplasia 1; NPHP3-related Meckel-like syndrome; Nephronophthisis 3. Last evaluated: 2024-03-12. Review status: criteria provided, single submitter. Criteria: ACMG Guidelines, 2015. Collection method: clinical testing. Allele origin: germline.

Blueprint Genetics
Classification: Uncertain significance. Last evaluated: 2024-03-06. Review status: criteria provided, single submitter. Criteria: ACMG Guidelines, 2015. Collection method: clinical testing. Allele origin: germline.

Eurofins-Biomnis
Classification: Likely pathogenic for Nephronophthisis 3. Last evaluated: 2022-11-10. Review status: criteria provided, single submitter. Criteria: Accession Criteria ClinVar Biomnis. Collection method: clinical testing. Allele origin: germline. Affected: yes. Observed: 1 homozygote.

Women's Health and Genetics/Laboratory Corporation of America, LabCorp
Classification: Uncertain significance. Last evaluated: 2021-08-02. Review status: criteria provided, single submitter. Criteria: LabCorp Variant Classification Summary - May 2015. Collection method: clinical testing. Allele origin: germline.
Comment: Variant summary: NPHP3 c.3494G>A (p.Arg1165Gln) results in a conservative amino acid change located in the 8th tetratricopeptide repeat (IPR019734) of the encoded protein sequence. Three of five in-silico tools predict a damaging effect of the variant on protein function. The variant allele was found at a frequency of 4e-05 in 251184 control chromosomes. This frequency is not higher than expected for a pathogenic variant in NPHP3 causing Joubert Syndrome and Related Disorders (0.0004), allowing no conclusion about variant significance. The variant, c.3494G>A has been reported in the literature in heterozygous form in a child affected with end-stage kidney disease (Tory_2009). This report does not provide unequivocal conclusions about association of the variant with Joubert Syndrome and Related Disorders. To our knowledge, no experimental evidence demonstrating an impact on protein function has been reported. One clinical diagnostic laboratory has submitted clinical-significance assessments for this variant to ClinVar after 2014, and classified the variant as uncertain significance. Based on the evidence outlined above, the variant was classified as uncertain significance.

Eurofins Ntd Llc (ga)
Classification: Uncertain significance. Last evaluated: 2015-06-18. Review status: criteria provided, single submitter. Criteria: EGL Classification Definitions 2015. Collection method: clinical testing. Allele origin: germline. Observed: 1 variant allele, 1 heterozygote.

Literature cited by the submitters: PubMed 19177160 (cited by 3 submitters).

NM_153240.5(NPHP3):c.3494G>A (p.Arg1165Gln)

Genes: NPHP3 (nephrocystin 3; minus strand), NPHP3-ACAD11 (NPHP3-ACAD11 readthrough (NMD candidate); minus strand). Cytogenetic location: 3q22.1.
Variant type: single nucleotide variant.
Coding change: c.3494G>A on transcript NM_153240.5 (MANE Select); coding-DNA position 3494, G replaced by A.
Protein change: p.Arg1165Gln; replaces arginine 1165 with glutamine.
Molecular consequence: missense variant. On other transcripts: non-coding transcript variant (1).
Genome position (GRCh38, 1-based): chr3:132,684,630, C>T on the plus strand (G>A on the coding strand, the complement: NPHP3 is on the minus strand). VCF-style: chr3-132684630-C-T. GRCh37 (hg19) VCF-style: chr3-132403474-C-T.
Other names: short protein forms R1165Q.
Identifiers: ClinVar variation 281413 (VCV000281413.17), dbSNP rs138630766, ClinGen allele CA2621740.